The following is an entry in ClinVar:

ClinVar aggregate classification (germline): Likely pathogenic (1 of 4 stars; one submission).

Conditions:
Osteochondritis dissecans. Identifiers: Orphanet 251262, Orphanet 2764, MedGen C0029421, MONDO:0017178, HP:0010886.

Submission:

HudsonAlpha Institute for Biotechnology
Classification: Likely pathogenic for Short stature and advanced bone age, with or without early-onset osteoarthritis and/or osteochondritis dissecans. Last evaluated: 2021-06-07. Review status: criteria provided, single submitter. Criteria: ACMG Guidelines, 2015. Collection method: research. Allele origin: inherited. Observed: 1 variant allele. Study: CSER-SouthSeq.
Comment: ACMG codes:PVS1; PM2

NM_001369268.1(ACAN):c.613_616dup (p.Asp206delinsGlyTer)

Gene: ACAN (aggrecan; plus strand). Cytogenetic location: 15q26.1.
Variant type: Microsatellite.
Coding change: c.613_616dup on transcript NM_001369268.1 (MANE Select); coding-DNA positions 613 to 616, 4 bases duplicated (GCTG; older notation c.613_616dupGCTG).
Protein change: p.Asp206delinsGlyTer.
Molecular consequence: nonsense.
Genome position (GRCh38, 1-based): chr15:88,840,170-88,840,173, GCTG duplicated; duplicating any 4 consecutive bases within chr15:88,840,161-88,840,173 gives the same sequence; the c. name uses the placement nearest the transcript's 3' end. VCF-style (leftmost placement, unchanged base first): chr15-88840160-C-CGGCT. GRCh37 (hg19) VCF-style: chr15-89383391-C-CGGCT.
Other names: c.613_616dup, p.Asp206delinsGlyTer (NM_001135.4, NM_013227.4).
Identifiers: ClinVar variation 1172552 (VCV001172552.1), dbSNP rs2141567062, ClinGen allele CA2580613309.
Genomic context (GRCh38, chr15:88,840,160, plus strand): 5'-CATTGCCACGCCTGAGCAGCTGCAGGCCGCCTACGAAGACGGCTTCCACCAGTGTGACGC[C>CGGCT]GGCTGGCTGGCTGACCAGACTGTCAGGTGAGCCCTAGCCCATCAGCTAGTGGGGGCCAGG-3'